The following is an entry in ClinVar:

NM_004281.4(BAG3):c.1570A>T (p.Ile524Phe)

Gene: BAG3 (BAG cochaperone 3; plus strand). Cytogenetic location: 10q26.11.
Variant type: single nucleotide variant.
Coding change: c.1570A>T on transcript NM_004281.4 (MANE Select); coding-DNA position 1570, A replaced by T.
Protein change: p.Ile524Phe; replaces isoleucine 524 with phenylalanine.
Molecular consequence: missense variant.
Genome position (GRCh38, 1-based): chr10:119,677,124, A>T. VCF-style: chr10-119677124-A-T. GRCh37 (hg19) VCF-style: chr10-121436636-A-T.
Other names: short protein forms I524F.
Identifiers: ClinVar variation 1432923 (VCV001432923.10), dbSNP rs764925485, ClinGen allele CA378297608.
Genomic context (GRCh38, chr10:119,677,124, plus strand): 5'-CAAGTCCAGGTCTATGAACTCCAGCCCAGCAACCTTGAAGCAGATCAGCCACTGCAGGCA[A>T]TCATGGAGATGGGTGCCGTGGCAGCAGACAAGGGCAAGAAAAATGCTGGAAATGCAGAAG-3'
Protein context (NP_004272.2, residues 514-534): NLEADQPLQA[Ile524Phe]MEMGAVAADK

ClinVar aggregate classification (germline): Uncertain significance. Review status: criteria provided, multiple submitters, no conflicts (2 of 4 stars). 2 submissions from 2 submitters: Uncertain significance (2). Last evaluated 2025-11-12.

Conditions:
Cardiovascular phenotype. Identifiers: MedGen CN230736.
Myofibrillar myopathy 6. Identifiers: Orphanet 199340, MedGen C2751831, MONDO:0013061, OMIM 612954.
Dilated cardiomyopathy 1HH (CMD1HH). Identifiers: Orphanet 154, MedGen C3151293, MONDO:0013479, OMIM 613881.

gnomAD v4.1: 2 of 1,614,188 alleles (0.00012%); highest among the groups gnomAD compares: Admixed American, 0.0017%; no homozygotes.

Submissions (2):

Labcorp Genetics (formerly Invitae), Labcorp
Classification: Uncertain significance for Dilated cardiomyopathy 1HH; Myofibrillar myopathy 6. Last evaluated: 2025-11-12. Review status: criteria provided, single submitter. Criteria: Invitae Variant Classification Sherloc (09022015). Collection method: clinical testing. Allele origin: germline.
Comment: This sequence change replaces isoleucine, which is neutral and non-polar, with phenylalanine, which is neutral and non-polar, at codon 524 of the BAG3 protein (p.Ile524Phe). This variant is present in population databases (no rsID available, gnomAD 0.003%). This variant has not been reported in the literature in individuals affected with BAG3-related conditions. ClinVar contains an entry for this variant (Variation ID: 1432923). Invitae Evidence Modeling of protein sequence and biophysical properties (such as structural, functional, and spatial information, amino acid conservation, physicochemical variation, residue mobility, and thermodynamic stability) indicates that this missense variant is not expected to disrupt BAG3 protein function with a negative predictive value of 80%. In summary, the available evidence is currently insufficient to determine the role of this variant in disease. Therefore, it has been classified as a Variant of Uncertain Significance.

Ambry Genetics
Classification: Uncertain significance for Cardiovascular phenotype. Last evaluated: 2022-04-03. Review status: criteria provided, single submitter. Criteria: Ambry Variant Classification Scheme 2023. Collection method: clinical testing. Allele origin: germline.
Comment: The p.I524F variant (also known as c.1570A>T), located in coding exon 4 of the BAG3 gene, results from an A to T substitution at nucleotide position 1570. The isoleucine at codon 524 is replaced by phenylalanine, an amino acid with highly similar properties. This amino acid position is conserved. In addition, this alteration is predicted to be tolerated by in silico analysis. Since supporting evidence is limited at this time, the clinical significance of this alteration remains unclear.